The following is an entry in ClinVar:

ClinVar aggregate classification (germline): Uncertain significance (1 of 4 stars; one submission).

Conditions:
Inborn genetic diseases. Identifiers: MedGen C0950123, MeSH D030342.

Submission:

Ambry Genetics
Classification: Uncertain significance for Inborn genetic diseases. Last evaluated: 2025-06-10. Review status: criteria provided, single submitter. Criteria: Ambry Variant Classification Scheme 2023. Collection method: clinical testing. Allele origin: germline.
Comment: The p.Q1288R variant (also known as c.3863A>G), located in coding exon 26 of the ANKRD26 gene, results from an A to G substitution at nucleotide position 3863. The glutamine at codon 1288 is replaced by arginine, an amino acid with highly similar properties. This amino acid position is conserved. In addition, this alteration is predicted to be tolerated by in silico analysis. Based on the available evidence, the clinical significance of this variant remains unclear.

NM_014915.3(ANKRD26):c.3863A>G (p.Gln1288Arg)

Gene: ANKRD26 (ankyrin repeat domain containing 26; minus strand). Cytogenetic location: 10p12.1.
Variant type: single nucleotide variant.
Coding change: c.3863A>G on transcript NM_014915.3 (MANE Select); coding-DNA position 3863, A replaced by G.
Protein change: p.Gln1288Arg; replaces glutamine 1288 with arginine.
Molecular consequence: missense variant.
Genome position (GRCh38, 1-based): chr10:27,029,301, T>C on the plus strand (A>G on the coding strand, the complement: ANKRD26 is on the minus strand). VCF-style: chr10-27029301-T-C. GRCh37 (hg19) VCF-style: chr10-27318230-T-C.
Other names: c.3860A>G, p.Gln1287Arg (NM_001256053.2); short protein forms Q1287R, Q1288R.
Identifiers: ClinVar variation 3915252 (VCV003915252.1).